The following is an entry in ClinVar:

NM_000322.5(PRPH2):c.*152G>A

Gene: PRPH2 (peripherin 2; minus strand). Cytogenetic location: 6p21.1.
Variant type: single nucleotide variant.
Coding change: c.*152G>A on transcript NM_000322.5 (MANE Select); 152 bases downstream of the stop codon, G replaced by A.
Molecular consequence: 3 prime UTR variant.
Genome position (GRCh38, 1-based): chr6:42,698,143, C>T on the plus strand (G>A on the coding strand, the complement: PRPH2 is on the minus strand). VCF-style: chr6-42698143-C-T. GRCh37 (hg19) VCF-style: chr6-42665881-C-T.
Identifiers: ClinVar variation 909688 (VCV000909688.4), dbSNP rs113384495, ClinGen allele CA138166355.

ClinVar aggregate classification (germline): Conflicting classifications of pathogenicity. Review status: criteria provided, conflicting classifications (1 of 4 stars). 6 submissions from 1 submitter: Uncertain significance (3); Benign (2); Likely benign (1). Last evaluated 2017-06-09.

Conditions:
Pigmentary retinal dystrophy. Also called: Fundus albipunctatus. Identifiers: Orphanet 227796, Orphanet 52427, MedGen C0311338, MONDO:0007639, OMIM 136880, HP:0030642.
Retinitis pigmentosa (RP). Identifiers: Orphanet 791, MedGen C0035334, MeSH D012174, MONDO:0019200, OMIM 268000. Inheritance: Autosomal dominant, autosomal recessive and X linked inheritance.
Cone-rod dystrophy. Also called: Cone-rod degeneration; Cone/cone-rod dystrophy. Identifiers: Orphanet 1872, MedGen C4085590, MONDO:0015993, HP:0000548.
Choroidal dystrophy, central areolar 2 (CACD2). Also called: Choriodal Dystrophy, Central Areolar 2; MACULAR DYSTROPHY, PROGRESSIVE. Identifiers: Orphanet 75377, MedGen C2751290, MONDO:0013137, OMIM 613105.
Patterned macular dystrophy 1. Also called: BUTTERFLY DYSTROPHY OF RETINAL PIGMENT EPITHELIUM; MACULAR DYSTROPHY, BUTTERFLY-SHAPED PIGMENTARY. Identifiers: Orphanet 99001, MedGen C4551999, MONDO:0008210, OMIM 169150.
Adult-onset foveomacular vitelliform dystrophy. Also called: FOVEOMACULAR DYSTROPHY, ADULT-ONSET, WITH OR WITHOUT CHOROIDAL NEOVASCULARIZATION; FOVEOMACULAR DYSTROPHY, ADULT-ONSET; Adult onset vitelliform dystrophy. Identifiers: Orphanet 99000, MedGen C1842914, MONDO:0011979.

Allele frequency attached by ClinVar (database versions not stated): gnomAD 0.00068 and 0.00073; 1000 Genomes Project 30x 0.00078; TOPMed 0.00095; 1000 Genomes Project 0.00100.
gnomAD v4.1: 423 of 1,042,138 alleles (0.041%); highest among the groups gnomAD compares: Middle Eastern, 0.39%; 1 homozygote.

Submissions (6):

Illumina Laboratory Services, Illumina
Classification: Benign for Cone-rod dystrophy. Last evaluated: 2017-06-09. Review status: criteria provided, single submitter. Criteria: ICSL Variant Classification Criteria 13 December 2019. Collection method: clinical testing. Allele origin: germline.
Comment: This variant was observed as part of a predisposition screen in an ostensibly healthy population. A literature search was performed for the gene, cDNA change, and amino acid change (where applicable). No publications were found based on this search. Allele frequency data from public databases was too high to be consistent with this variant causing disease. Therefore, this variant is classified as benign.

Illumina Laboratory Services, Illumina
Classification: Likely benign for Retinitis pigmentosa. Last evaluated: 2017-06-09. Review status: criteria provided, single submitter. Criteria: ICSL Variant Classification Criteria 13 December 2019. Collection method: clinical testing. Allele origin: germline.
Comment: This variant was observed as part of a predisposition screen in an ostensibly healthy population. A literature search was performed for the gene, cDNA change, and amino acid change (where applicable). No publications were found based on this search. Allele frequency data from public databases allowed determination this variant is unlikely to cause disease. Therefore, this variant is classified as likely benign.

Illumina Laboratory Services, Illumina
Classification: Benign for Vitelliform macular dystrophy 3. Last evaluated: 2017-06-09. Review status: criteria provided, single submitter. Criteria: ICSL Variant Classification Criteria 13 December 2019. Collection method: clinical testing. Allele origin: germline.
Comment: the same text as in the submission from Illumina Laboratory Services, Illumina above.

Illumina Laboratory Services, Illumina
Classification: Uncertain significance for Pigmentary retinal dystrophy. Last evaluated: 2017-04-28. Review status: criteria provided, single submitter. Criteria: ICSL Variant Classification Criteria 13 December 2019. Collection method: clinical testing. Allele origin: germline.

Illumina Laboratory Services, Illumina
Classification: Uncertain significance for Choroidal dystrophy, central areolar 2. Last evaluated: 2017-04-28. Review status: criteria provided, single submitter. Criteria: ICSL Variant Classification Criteria 13 December 2019. Collection method: clinical testing. Allele origin: germline.

Illumina Laboratory Services, Illumina
Classification: Uncertain significance for Patterned macular dystrophy 1. Last evaluated: 2017-04-28. Review status: criteria provided, single submitter. Criteria: ICSL Variant Classification Criteria 13 December 2019. Collection method: clinical testing. Allele origin: germline.